The following is an entry in ClinVar:

ClinVar aggregate classification (germline): Uncertain significance (1 of 4 stars; one submission).

Conditions:
Baller-Gerold syndrome (BGS). Also called: CRANIOSYNOSTOSIS WITH RADIAL DEFECTS. Identifiers: Orphanet 1225, MedGen C0265308, MONDO:0009039, OMIM 218600.

Allele frequency attached by ClinVar (database versions not stated): gnomAD exomes below 0.00001; ExAC 0.00001; ESP Exome Variant Server 0.00008.

Submission:

Labcorp Genetics (formerly Invitae), Labcorp
Classification: Uncertain significance for Baller-Gerold syndrome. Last evaluated: 2022-11-09. Review status: criteria provided, single submitter. Criteria: Invitae Variant Classification Sherloc (09022015). Collection method: clinical testing. Allele origin: germline.
Comment: This sequence change replaces glycine, which is neutral and non-polar, with arginine, which is basic and polar, at codon 229 of the RECQL4 protein (p.Gly229Arg). This variant is present in population databases (rs374104402, gnomAD 0.0009%). This variant has not been reported in the literature in individuals affected with RECQL4-related conditions. ClinVar contains an entry for this variant (Variation ID: 1471686). Experimental studies and prediction algorithms are not available or were not evaluated, and the functional significance of this variant is currently unknown. In summary, the available evidence is currently insufficient to determine the role of this variant in disease. Therefore, it has been classified as a Variant of Uncertain Significance.

NM_004260.4(RECQL4):c.685G>C (p.Gly229Arg)

Gene: RECQL4 (RecQ like helicase 4; minus strand). Cytogenetic location: 8q24.3.
Variant type: single nucleotide variant.
Coding change: c.685G>C on transcript NM_004260.4 (MANE Select); coding-DNA position 685, G replaced by C.
Protein change: p.Gly229Arg; replaces glycine 229 with arginine.
Molecular consequence: missense variant.
Genome position (GRCh38, 1-based): chr8:144,516,434, C>G on the plus strand (G>C on the coding strand, the complement: RECQL4 is on the minus strand). VCF-style: chr8-144516434-C-G. GRCh37 (hg19) VCF-style: chr8-145741818-C-G.
Other names: short protein forms G229R.
Identifiers: ClinVar variation 1471686 (VCV001471686.6), dbSNP rs374104402, ClinGen allele CA4949206.